The following is an entry in ClinVar:

ClinVar aggregate classification (germline): Uncertain significance (1 of 4 stars; one submission).

gnomAD v4.1: 2 of 1,613,944 alleles (0.00012%); highest among the groups gnomAD compares: Non-Finnish European, 0.00017%; no homozygotes.

Submission:

Labcorp Genetics (formerly Invitae), Labcorp
Classification: Uncertain significance. Last evaluated: 2024-02-09. Review status: criteria provided, single submitter. Criteria: Invitae Variant Classification Sherloc (09022015). Collection method: clinical testing. Allele origin: germline.
Comment: This sequence change replaces glycine, which is neutral and non-polar, with valine, which is neutral and non-polar, at codon 39 of the SLC38A8 protein (p.Gly39Val). This variant is not present in population databases (gnomAD no frequency). This variant has not been reported in the literature in individuals affected with SLC38A8-related conditions. Advanced modeling of protein sequence and biophysical properties (such as structural, functional, and spatial information, amino acid conservation, physicochemical variation, residue mobility, and thermodynamic stability) performed at Invitae indicates that this missense variant is expected to disrupt SLC38A8 protein function with a positive predictive value of 80%. In summary, the available evidence is currently insufficient to determine the role of this variant in disease. Therefore, it has been classified as a Variant of Uncertain Significance.

NM_001080442.3(SLC38A8):c.116G>T (p.Gly39Val)

Gene: SLC38A8 (solute carrier family 38 member 8; minus strand). Cytogenetic location: 16q23.3.
Variant type: single nucleotide variant.
Coding change: c.116G>T on transcript NM_001080442.3 (MANE Select); coding-DNA position 116, G replaced by T.
Protein change: p.Gly39Val; replaces glycine 39 with valine.
Molecular consequence: missense variant.
Genome position (GRCh38, 1-based): chr16:84,042,042, C>A on the plus strand (G>T on the coding strand, the complement: SLC38A8 is on the minus strand). VCF-style: chr16-84042042-C-A. GRCh37 (hg19) VCF-style: chr16-84075647-C-A.
Other names: short protein forms G39V.
Identifiers: ClinVar variation 3619106 (VCV003619106.2).